The following is an entry in ClinVar:

ClinVar aggregate classification (germline): Uncertain significance (1 of 4 stars; one submission).

Allele frequency attached by ClinVar (database versions not stated): gnomAD exomes 0.00001.
gnomAD v4.1: 5 of 1,612,860 alleles (0.00031%); highest among the groups gnomAD compares: Non-Finnish European, 0.00042%; no homozygotes.

Submission:

Labcorp Genetics (formerly Invitae), Labcorp
Classification: Uncertain significance. Last evaluated: 2022-02-23. Review status: criteria provided, single submitter. Criteria: Invitae Variant Classification Sherloc (09022015). Collection method: clinical testing. Allele origin: germline.
Comment: In summary, the available evidence is currently insufficient to determine the role of this variant in disease. Therefore, it has been classified as a Variant of Uncertain Significance. This sequence change replaces phenylalanine, which is neutral and non-polar, with serine, which is neutral and polar, at codon 141 of the PKLR protein (p.Phe141Ser). This variant is not present in population databases (gnomAD no frequency). This variant has not been reported in the literature in individuals affected with PKLR-related conditions. Algorithms developed to predict the effect of missense changes on protein structure and function are either unavailable or do not agree on the potential impact of this missense change (SIFT: "Deleterious"; PolyPhen-2: "Benign"; Align-GVGD: "Class C0").

NM_000298.6(PKLR):c.422T>C (p.Phe141Ser)

Gene: PKLR (pyruvate kinase L/R; minus strand). Cytogenetic location: 1q22.
Variant type: single nucleotide variant.
Coding change: c.422T>C on transcript NM_000298.6 (MANE Select); coding-DNA position 422, T replaced by C.
Protein change: p.Phe141Ser; replaces phenylalanine 141 with serine.
Molecular consequence: missense variant.
Genome position (GRCh38, 1-based): chr1:155,295,522, A>G on the plus strand (T>C on the coding strand, the complement: PKLR is on the minus strand). VCF-style: chr1-155295522-A-G. GRCh37 (hg19) VCF-style: chr1-155265313-A-G.
Other names: c.329T>C, p.Phe110Ser (NM_181871.4); short protein forms F110S, F141S.
Identifiers: ClinVar variation 2102375 (VCV002102375.4), dbSNP rs1647533800, ClinGen allele CA342755721.
Genomic context (GRCh38, chr1:155,295,522, plus strand): 5'-TCCGGTCCCTTGGTGTCCAGGGCGATGGCCACGGGCCGGTAGCTGAGTGGGGAACCTGCA[A>G]AGCTCTCCACCGCCTCCCGGACGTTGGCGATGGACTCAGCATGGTACTGGGGGAGGGAGC-3'
Protein context (NP_000289.1, residues 131-151): IANVREAVES[Phe141Ser]AGSPLSYRPV